The following is an entry in ClinVar:

ClinVar aggregate classification (germline): Uncertain significance (1 of 4 stars; one submission).

gnomAD v4.1: 8 of 1,613,742 alleles (0.0005%); highest among the groups gnomAD compares: African/African-American, 0.0013%; no homozygotes.

Submission:

CeGaT Center for Human Genetics Tuebingen
Classification: Uncertain significance. Last evaluated: 2023-02-01. Review status: criteria provided, single submitter. Criteria: CeGaT Center For Human Genetics Tuebingen Variant Classification Criteria Version 2. Collection method: clinical testing. Allele origin: germline. Affected: yes. Observed: 1 variant allele.
Comment: PAH: PM2, PM3:Supporting, PP3

NM_000277.3(PAH):c.419C>A (p.Ala140Glu)

Gene: PAH (phenylalanine hydroxylase; minus strand). Cytogenetic location: 12q23.2.
Variant type: single nucleotide variant.
Coding change: c.419C>A on transcript NM_000277.3 (MANE Select); coding-DNA position 419, C replaced by A.
Protein change: p.Ala140Glu; replaces alanine 140 with glutamic acid.
Molecular consequence: missense variant.
Genome position (GRCh38, 1-based): chr12:102,877,484, G>T on the plus strand (C>A on the coding strand, the complement: PAH is on the minus strand). VCF-style: chr12-102877484-G-T. GRCh37 (hg19) VCF-style: chr12-103271262-G-T.
Other names: c.419C>A, p.Ala140Glu (NM_001354304.2); short protein forms A140E.
Identifiers: ClinVar variation 2643247 (VCV002643247.24), dbSNP rs372657268, ClinGen allele CA6748959.